The following is an entry in ClinVar:

NM_001267550.2(TTN):c.4815-1G>A

Genes: TTN (titin; minus strand), LOC101927055 (uncharacterized LOC101927055; plus strand). Cytogenetic location: 2q31.2.
Variant type: single nucleotide variant.
Coding change: c.4815-1G>A on transcript NM_001267550.2 (MANE Select); the canonical splice acceptor site of the intron before coding-DNA position 4815, G replaced by A.
Molecular consequence: splice acceptor variant. On other transcripts: non-coding transcript variant (1).
Genome position (GRCh38, 1-based): chr2:178,777,050, C>T on the plus strand (G>A on the coding strand, the complement: TTN is on the minus strand). VCF-style: chr2-178777050-C-T. GRCh37 (hg19) VCF-style: chr2-179641777-C-T.
Other names: c.4677-1G>A (NM_003319.4, NM_133437.4, NM_133432.3); c.4815-1G>A (NM_133378.4, NM_001256850.1, NM_133379.5).
Identifiers: ClinVar variation 4786647 (VCV004786647.1).

ClinVar aggregate classification (germline): Likely pathogenic (1 of 4 stars; one submission).

Conditions:
Autosomal recessive limb-girdle muscular dystrophy type 2J (LGMDR10). Also called: Limb-girdle muscular dystrophy, type 2J; MUSCULAR DYSTROPHY, LIMB-GIRDLE, AUTOSOMAL RECESSIVE 10. Identifiers: Orphanet 140922, MedGen C1837342, MONDO:0012127, OMIM 608807.
Dilated cardiomyopathy 1G (CMD1G). Identifiers: Orphanet 154, MedGen C1858763, MONDO:0011400, OMIM 604145.

Submission:

Labcorp Genetics (formerly Invitae), Labcorp
Classification: Likely pathogenic for Dilated cardiomyopathy 1G; Autosomal recessive limb-girdle muscular dystrophy type 2J. Last evaluated: 2025-11-09. Review status: criteria provided, single submitter. Criteria: Invitae Variant Classification Sherloc (09022015). Collection method: clinical testing. Allele origin: germline.
Comment: This sequence change affects an acceptor splice site in intron 27 of the TTN gene. It is expected to disrupt RNA splicing and likely results in a truncated or disrupted TTN protein. This variant is not present in population databases (gnomAD no frequency). This variant has not been reported in the literature in individuals affected with TTN-related conditions. Algorithms developed to predict the effect of sequence changes on RNA splicing suggest that this variant may disrupt the consensus splice site. This variant is located in the Z band of TTN (PMID: 25589632). Truncating variants in this region have been reported in individuals affected with autosomal recessive centronuclear myopathy (PMID: 33449170, internal data). Truncating variants in this region have also been identified in individuals affected with autosomal dominant dilated cardiomyopathy and/or cardio-related conditions (PMID: 27869827, 32964742, internal data). In summary, the currently available evidence indicates that the variant is pathogenic, but additional data are needed to prove that conclusively. Therefore, this variant has been classified as Likely Pathogenic.

Literature cited by the submitters: PubMed 25589632; PubMed 33449170; PubMed 27869827; PubMed 32964742.